The following is an entry in ClinVar:

NM_001083116.3(PRF1):c.1322T>C (p.Leu441Pro)

Gene: PRF1 (perforin 1; minus strand). Cytogenetic location: 10q22.1.
Variant type: single nucleotide variant.
Coding change: c.1322T>C on transcript NM_001083116.3 (MANE Select); coding-DNA position 1322, T replaced by C.
Protein change: p.Leu441Pro; replaces leucine 441 with proline.
Molecular consequence: missense variant.
Genome position (GRCh38, 1-based): chr10:70,598,399, A>G on the plus strand (T>C on the coding strand, the complement: PRF1 is on the minus strand). VCF-style: chr10-70598399-A-G. GRCh37 (hg19) VCF-style: chr10-72358155-A-G.
Other names: c.1322T>C (NM_001083116.1); c.1322T>C, p.Leu441Pro (NM_005041.6); short protein forms L441P.
Identifiers: ClinVar variation 1385522 (VCV001385522.4), dbSNP rs1848159155, ClinGen allele CA376955998.

ClinVar aggregate classification (germline): Uncertain significance. Review status: criteria provided, multiple submitters, no conflicts (2 of 4 stars). 2 submissions from 2 submitters: Uncertain significance (2). Last evaluated 2025-01-08.

Conditions:
Familial hemophagocytic lymphohistiocytosis 2 (FHL2). Also called: PRF1-Related Familial Hemophagocytic Lymphohistiocytosis (PRF1-fHLH). Identifiers: Orphanet 540, MedGen C1863727, MONDO:0011337, OMIM 603553.
Inborn genetic diseases. Identifiers: MedGen C0950123, MeSH D030342.

Submissions (2):

Ambry Genetics
Classification: Uncertain significance for Inborn genetic diseases. Last evaluated: 2025-01-08. Review status: criteria provided, single submitter. Criteria: Ambry Variant Classification Scheme 2023. Collection method: clinical testing. Allele origin: germline.

Labcorp Genetics (formerly Invitae), Labcorp
Classification: Uncertain significance for Familial hemophagocytic lymphohistiocytosis 2. Last evaluated: 2021-10-09. Review status: criteria provided, single submitter. Criteria: Invitae Variant Classification Sherloc (09022015). Collection method: clinical testing. Allele origin: germline.
Comment: This sequence change replaces leucine with proline at codon 441 of the PRF1 protein (p.Leu441Pro). The leucine residue is weakly conserved and there is a moderate physicochemical difference between leucine and proline. This variant is not present in population databases (ExAC no frequency). This variant has not been reported in the literature in individuals affected with PRF1-related conditions. Algorithms developed to predict the effect of missense changes on protein structure and function are either unavailable or do not agree on the potential impact of this missense change (SIFT: "Deleterious"; PolyPhen-2: "Possibly Damaging"; Align-GVGD: "Class C0"). In summary, the available evidence is currently insufficient to determine the role of this variant in disease. Therefore, it has been classified as a Variant of Uncertain Significance.